The following is an entry in ClinVar:

ClinVar aggregate classification (germline): Pathogenic/Likely pathogenic. Review status: criteria provided, multiple submitters, no conflicts (2 of 4 stars). 9 submissions from 8 submitters: Pathogenic (7); Likely pathogenic (1). 1 of the submissions does not count toward it. Last evaluated 2026-04-14.

Conditions:
CFTR-related disorder (CFTR-RD). Also called: CFTR-related disorders; CFTR-related condition. Identifiers: MedGen C5924204, MONDO:7770004.
Cystic fibrosis (CF). Also called: MUCOVISCIDOSIS. Identifiers: Orphanet 586, MedGen C0010674, MONDO:0009061, OMIM 219700. Disease mechanism: loss of function.
Congenital bilateral aplasia of vas deferens from CFTR mutation (CBAVD). Identifiers: Orphanet 48, MedGen C0403814, MONDO:0010178, OMIM 277180. Disease mechanism: loss of function.
Bronchiectasis with or without elevated sweat chloride 1 (BESC1). Also called: Cystic Fibrosis-Like Syndrome. Identifiers: Orphanet 60033, MedGen C2749757, MONDO:0008887, OMIM 211400.

Allele frequency attached by ClinVar (database versions not stated): gnomAD exomes 0.00002; ExAC 0.00002.
gnomAD v4.1: 4 of 1,509,222 alleles (0.00027%); highest among the groups gnomAD compares: Admixed American, 0.0067%; no homozygotes.

Submissions (9):

Women's Health and Genetics/Laboratory Corporation of America, LabCorp
Classification: Pathogenic for Cystic fibrosis. Last evaluated: 2026-04-14. Review status: criteria provided, single submitter. Criteria: LabCorp Variant Classification Summary - May 2015. Collection method: clinical testing. Allele origin: germline.
Comment: Variant summary: CFTR c.490-1G>A is located in a canonical splice-site and is predicted to affect mRNA splicing resulting in a significantly altered protein due to either exon skipping, shortening, or inclusion of intronic material. Variants that disrupt the consensus splice site are a relatively common cause of aberrant splicing and loss of CFTR function. Several computational tools predict a significant impact on normal splicing: Four predict the variant abolishes a 3' acceptor site. Two predict the variant creates a 3' acceptor site. One predicts the variant strengthens a cryptic 3' acceptor site. However, these predictions have yet to be confirmed by functional studies. The variant allele was found at a frequency of 1.6e-05 in 249200 control chromosomes (gnomAD). c.490-1G>A has been observed in individuals affected with Cystic Fibrosis who were reported as presumed compound heterozygous with other pathogenic variants (Krzyzanowska_2015, Montgomery_2018). These data indicate that the variant may be associated with disease. Another variant affecting this splice site (c.490-2A>G) has been classified as pathogenic by our lab. ClinVar contains an entry for this variant (Variation ID: 53974). Based on the evidence outlined above, the variant was classified as pathogenic.

Natera, Inc.
Classification: Pathogenic for CFTR-related disorders. Last evaluated: 2025-12-04. Review status: criteria provided, single submitter. Criteria: Natera Variant Classification Schema (03/2026). Collection method: clinical testing. Allele origin: germline.
Comment: The c.490-1G>A variant in CFTR is a canonical splice acceptor site variant predicted to affect pre-mRNA splicing, which may result in an abnormal transcript and altered protein product. This variant is expected to result in nonsense mediated decay, truncation, or a dysfunctional protein product. This variant is rare in the general population with a frequency below the threshold expected for the associated phenotype(s). This variant has been observed in one or more individuals affected with the associated recessive disease, as either homozygous or compound heterozygous with a second variant (PMID: 30081288, 29884450). Another variant at this same site results in an alteration predicted to cause a similar molecular effect has been observed in individual(s) with the associated phenotype. Given the available evidence, this variant is classified as Pathogenic.

Otogenetics
Classification: Pathogenic for Cystic fibrosis; Congenital bilateral aplasia of vas deferens from CFTR mutation. Last evaluated: 2025-10-03. Review status: criteria provided, single submitter. Criteria: ACMG Guidelines, 2015. Collection method: clinical testing. Allele origin: germline.
Comment: PVS1: Null variant in gene with loss of function as mechanism of disease occurring in canonical splice site; PM2: Maximum gnomAD MAF of 0.0117% in American (AMR) subpopulation (<0.296% threshold); PM3: Variant reported in trans with two other pathogenic variants in two patients affected with cystic fibrosis (PMID: 26160248, 29884450)

Ambry Genetics
Classification: Likely pathogenic for Cystic fibrosis. Last evaluated: 2025-04-21. Review status: criteria provided, single submitter. Criteria: Ambry Variant Classification Scheme 2023. Collection method: clinical testing. Allele origin: germline.
Comment: The c.490-1G>A intronic variant results from a G to A substitution one nucleotide upstream from coding exon 5 of the CFTR gene. This alteration was reported as compound heterozygous in two individuals diagnosed with cystic fibrosis (CF) and pancreatic insufficiency (PI), moderate pulmonary disease, and elevated sweat chloride levels (Zielenski J et. al. Cystic Fibrosis Mutation Database [database online] Toronto, ON, Canada: SickKids;1995). Additionally, this alteration was detected as compound heterozygous in an individual diagnosed with CF, who had mild pulmonary disease and elevated sweat chloride levels (Krzyanowska P et al. Sci Rep, 2015 Jul;5:12000). This nucleotide position is highly conserved on sequence alignment. In silico splice site analysis predicts that this alteration will weaken the native splice acceptor site and will result in the creation or strengthening of a novel splice acceptor site. Alterations that disrupt the canonical splice site are expected to cause aberrant splicing, resulting in an abnormal protein or a transcript that is subject to nonsense-mediated mRNA decay. As such, this alteration is classified as likely pathogenic.

Labcorp Genetics (formerly Invitae), Labcorp
Classification: Pathogenic for Cystic fibrosis. Last evaluated: 2025-01-21. Review status: criteria provided, single submitter. Criteria: Invitae Variant Classification Sherloc (09022015). Collection method: clinical testing. Allele origin: germline.
Comment: This sequence change affects an acceptor splice site in intron 4 of the CFTR gene. It is expected to disrupt RNA splicing. Variants that disrupt the donor or acceptor splice site typically lead to a loss of protein function (PMID: 16199547), and loss-of-function variants in CFTR are known to be pathogenic (PMID: 1695717, 7691345, 9725922). This variant is present in population databases (rs397508734, gnomAD 0.01%). Disruption of this splice site has been observed in individuals with cystic fibrosis (PMID: 23857699, 26160248). This variant is also known as c.622-1G>A. ClinVar contains an entry for this variant (Variation ID: 53974). Algorithms developed to predict the effect of sequence changes on RNA splicing suggest that this variant may disrupt the consensus splice site. For these reasons, this variant has been classified as Pathogenic.

Baylor Genetics
Classification: Pathogenic for Bronchiectasis with or without elevated sweat chloride 1. Last evaluated: 2024-01-23. Review status: criteria provided, single submitter. Criteria: ACMG Guidelines, 2015. Collection method: clinical testing. Allele origin: unknown.

Johns Hopkins Genomics, Johns Hopkins University
Classification: Pathogenic for Cystic fibrosis. Last evaluated: 2020-02-19. Review status: criteria provided, single submitter. Criteria: ACMG Guidelines, 2015. Collection method: clinical testing. Allele origin: germline.
Comment: This variant has been previously identified in patients with cystic fibrosis and is classified as likely pathogenic by one ClinVar submitter. It (rs397508734) is rare (<0.1%) in a large population dataset ( gnomAD: 4/249200 total alleles; 0.002%; no homozygotes). Bioinformatic analysis predicts that this canonical splice site variant would affect normal exon 4 splicing, although this has not been confirmed experimentally to our knowledge. We consider this variant to be pathogenic.

Baylor Genetics
Classification: Pathogenic for Congenital bilateral aplasia of vas deferens from CFTR mutation; Cystic fibrosis. Review status: criteria provided, single submitter. Criteria: ACMG Guidelines, 2015. Collection method: clinical testing. Allele origin: germline.

Counsyl
Classification: Likely pathogenic for Cystic fibrosis. Last evaluated: 2018-02-14. Review status: no assertion criteria provided. Collection method: clinical testing. Allele origin: unknown. Not counted in ClinVar's aggregate classification.

Literature cited by the submitters: PubMed 26160248 (cited by 5 submitters); PubMed 29884450 (cited by 3 submitters); PubMed 38601560 (cited by Women's Health and Genetics/Laboratory Corporation of America, LabCorp); PubMed 30081288 (cited by Natera, Inc.); PubMed 16199547 (cited by Labcorp Genetics (formerly Invitae), Labcorp); PubMed 1695717 (cited by Labcorp Genetics (formerly Invitae), Labcorp); PubMed 7691345 (cited by Labcorp Genetics (formerly Invitae), Labcorp); PubMed 9725922 (cited by Labcorp Genetics (formerly Invitae), Labcorp); PubMed 23857699 (cited by Labcorp Genetics (formerly Invitae), Labcorp); PubMed 28185838 (cited by Johns Hopkins Genomics, Johns Hopkins University).

NM_000492.4(CFTR):c.490-1G>A

Gene: CFTR (CF transmembrane conductance regulator; plus strand). Cytogenetic location: 7q31.2.
Variant type: single nucleotide variant.
Coding change: c.490-1G>A on transcript NM_000492.4 (MANE Select); the canonical splice acceptor site of the intron before coding-DNA position 490, G replaced by A.
Molecular consequence: splice acceptor variant.
Genome position (GRCh38, 1-based): chr7:117,534,275, G>A. VCF-style: chr7-117534275-G-A. GRCh37 (hg19) VCF-style: chr7-117174329-G-A.
Identifiers: ClinVar variation 53974 (VCV000053974.21), dbSNP rs397508734, ClinGen allele CA327533.